The following is an entry in ClinVar:

ClinVar aggregate classification (germline): Pathogenic/Likely pathogenic. Review status: criteria provided, multiple submitters, no conflicts (2 of 4 stars). 7 submissions from 7 submitters: Pathogenic (5); Likely pathogenic (1). 1 of the submissions does not count toward it. Last evaluated 2025-01-13.

Conditions:
DDX41-related disorder. Also called: DDX41-related condition.
DDX41-related hematologic malignancy predisposition syndrome. Also called: Myeloproliferative/lymphoproliferative neoplasms, familial (multiple types), susceptibility to; DDX41-Associated Familial Myelodysplastic Syndrome and Acute Myeloid Leukemia. Identifiers: Orphanet 488647, MedGen C4225174, MONDO:0014809, OMIM 616871.
DDX41-related disorders.
Inborn genetic diseases. Identifiers: MedGen C0950123, MeSH D030342.

Allele frequency attached by ClinVar (database versions not stated): gnomAD exomes below 0.00001; TOPMed below 0.00001; ExAC 0.00001; ESP Exome Variant Server 0.00008.
gnomAD v4.1: 4 of 1,614,180 alleles (0.00025%); highest among the groups gnomAD compares: Non-Finnish European, 0.00034%; no homozygotes.

Submissions (7):

Ambry Genetics
Classification: Pathogenic for Inborn genetic diseases. Last evaluated: 2025-01-13. Review status: criteria provided, single submitter. Criteria: Ambry Variant Classification Scheme 2023. Collection method: clinical testing. Allele origin: germline.
Comment: The p.K381* pathogenic mutation (also known as c.1141A>T), located in coding exon 11 of the DDX41 gene, results from an A to T substitution at nucleotide position 1141. This changes the amino acid from a lysine to a stop codon within coding exon 11. This variant was reported in individual(s) with features consistent with DDX41-related hematologic malignancy (Li P et al. Blood, 2022 Aug;140:716-755; Makishima H et al. Blood, 2023 Feb;141:534-549). This alteration is expected to result in loss of function by premature protein truncation or nonsense-mediated mRNA decay. As such, this alteration is interpreted as a disease-causing mutation.

Labcorp Genetics (formerly Invitae), Labcorp
Classification: Pathogenic. Last evaluated: 2024-12-21. Review status: criteria provided, single submitter. Criteria: Invitae Variant Classification Sherloc (09022015). Collection method: clinical testing. Allele origin: germline.
Comment: This sequence change creates a premature translational stop signal (p.Lys381*) in the DDX41 gene. It is expected to result in an absent or disrupted protein product. Loss-of-function variants in DDX41 are known to be pathogenic (PMID: 26712909, 27133828). This variant is present in population databases (rs144057590, gnomAD 0.0009%). This premature translational stop signal has been observed in individual(s) with myeloproliferative neoplasm (PMID: 35671390). ClinVar contains an entry for this variant (Variation ID: 1211430). Algorithms developed to predict the effect of sequence changes on RNA splicing suggest that this variant may disrupt the consensus splice site. For these reasons, this variant has been classified as Pathogenic.

Blueprint Genetics
Classification: Likely pathogenic for DDX41-related disorders. Last evaluated: 2024-01-11. Review status: criteria provided, single submitter. Criteria: ACMG Guidelines, 2015. Collection method: clinical testing. Allele origin: germline. Affected: yes. Observed: 5 variant alleles.

PreventionGenetics, part of Exact Sciences
Classification: Pathogenic for DDX41-related condition. Last evaluated: 2023-02-11. Review status: criteria provided, single submitter. Criteria: ACMG Guidelines, 2015. Collection method: clinical testing. Allele origin: germline.
Comment: The DDX41 c.1141A>T variant is predicted to result in premature protein termination (p.Lys381*). This variant has been reported as germline along with another somatic DDX41 variant in an individual with myeloid neoplasms (Li et al. 2022. PubMed ID: 35671390). This variant is reported in 1 out of 251394 alleles of European (Non-Finnish) descent in gnomAD. This variant is interpreted as pathogenic in ClinVar. Nonsense variants and other presumed loss-of-function variants in DDX41 are expected to be pathogenic (see for example Sébert et al. 2019. PubMed ID: 31484648; Quesada et al. 2019. PubMed ID: 30963592). This variant is interpreted as pathogenic.

GeneDx
Classification: Pathogenic. Last evaluated: 2019-09-25. Review status: criteria provided, single submitter. Criteria: GeneDx Variant Classification Process June 2021. Collection method: clinical testing. Allele origin: germline. Affected: yes.
Comment: Nonsense variant predicted to result in protein truncation or nonsense mediated decay in a gene for which loss-of-function is a known mechanism of disease; Not observed at a significant frequency in large population cohorts (Lek et al., 2016); Has not been previously published as pathogenic or benign to our knowledge

Genetic Services Laboratory, University of Chicago
Classification: Pathogenic. Last evaluated: 2017-09-08. Review status: criteria provided, single submitter. Criteria: ACMG Guidelines, 2015. Collection method: clinical testing. Allele origin: germline. Affected: yes.
Comment: DNA sequence analysis of the DDX41 gene demonstrated a sequence change, c.1141A>T, which results in the creation of a premature stop codon at amino acid position 381, p.Lys381*. This sequence change has not been previously been described in patients with DDX41-related disorders and has been described in the ExAC database at a low frequency of 0.001%. This pathogenic sequence change is predicted to result in an abnormal transcript, which may be degraded, or may lead to the production of a truncated DDX41 protein with potentially abnormal function. The p.Lys381 residue of DDX41 has been shown to be involved in binding to double-stranded DNA (Omura et al., 2016). Germline pathogenic variants in the DDX41 have been identified in patients with late-onset MDS and acute myeloid leukemia characterized by long latency, normal karyotype, and poor prognosis. The germline DDX41 mutations strongly predispose to further somatic hits in the remaining healthy allele of this gene. Although the disease penetrance is currently unknown, a strong family history and late onset disease suggest high penetrance with long disease latency (Polprasert et al., 2015; Greenberg PL, et al., 2017).

Clinical Genomics Labs, University Health Network
Classification: Pathogenic for DDX41-related hematologic malignancy predisposition syndrome. Last evaluated: 2022-09-17. Review status: no assertion criteria provided. Criteria: ACMG Guidelines, 2015. Collection method: clinical testing. Allele origin: germline. Affected: yes. Not counted in ClinVar's aggregate classification.

Literature cited by the submitters: PubMed 35671390 (cited by Ambry Genetics and Labcorp Genetics (formerly Invitae), Labcorp); PubMed 36322930 (cited by Ambry Genetics); PubMed 26712909 (cited by Labcorp Genetics (formerly Invitae), Labcorp); PubMed 27133828 (cited by Labcorp Genetics (formerly Invitae), Labcorp).

NM_016222.4(DDX41):c.1141A>T (p.Lys381Ter)

Gene: DDX41 (DEAD-box helicase 41; minus strand). Cytogenetic location: 5q35.3.
Variant type: single nucleotide variant.
Coding change: c.1141A>T on transcript NM_016222.4 (MANE Select); coding-DNA position 1141, A replaced by T.
Protein change: p.Lys381Ter; replaces lysine 381 with a stop codon.
Molecular consequence: nonsense.
Genome position (GRCh38, 1-based): chr5:177,513,442, T>A on the plus strand (A>T on the coding strand, the complement: DDX41 is on the minus strand). VCF-style: chr5-177513442-T-A. GRCh37 (hg19) VCF-style: chr5-176940443-T-A.
Other names: c.763A>T, p.Lys255Ter (NM_001321732.2, NM_001321830.2); c.1141A>T (NM_016222.3); short protein forms K255*, K381*.
Identifiers: ClinVar variation 1211430 (VCV001211430.13), dbSNP rs144057590, ClinGen allele CA3584874.